The following is an entry in ClinVar:

NM_007255.3(B4GALT7):c.939G>C (p.Met313Ile)

Gene: B4GALT7 (beta-1,4-galactosyltransferase 7; plus strand). Cytogenetic location: 5q35.3.
Variant type: single nucleotide variant.
Coding change: c.939G>C on transcript NM_007255.3 (MANE Select); coding-DNA position 939, G replaced by C.
Protein change: p.Met313Ile; replaces methionine 313 with isoleucine.
Molecular consequence: missense variant.
Genome position (GRCh38, 1-based): chr5:177,609,650, G>C. VCF-style: chr5-177609650-G-C. GRCh37 (hg19) VCF-style: chr5-177036651-G-C.
Other names: c.939G>C (NM_007255.2); short protein forms M313I.
Identifiers: ClinVar variation 1518351 (VCV001518351.7), dbSNP rs778439107, ClinGen allele CA3586750.

ClinVar aggregate classification (germline): Uncertain significance. Review status: criteria provided, multiple submitters, no conflicts (2 of 4 stars). 2 submissions from 2 submitters: Uncertain significance (2). Last evaluated 2022-11-19.

Conditions:
Spondylodysplastic Ehlers-Danlos syndrome. Identifiers: Orphanet 536471, Orphanet 75496, MedGen C5680154, MONDO:0007526.
Inborn genetic diseases. Identifiers: MedGen C0950123, MeSH D030342.

Allele frequency attached by ClinVar (database versions not stated): ExAC 0.00001; gnomAD exomes below 0.00001.

Submissions (2):

Ambry Genetics
Classification: Uncertain significance for Inborn genetic diseases. Last evaluated: 2022-11-19. Review status: criteria provided, single submitter. Criteria: Ambry Variant Classification Scheme 2023. Collection method: clinical testing. Allele origin: germline.

Labcorp Genetics (formerly Invitae), Labcorp
Classification: Uncertain significance for Spondylodysplastic Ehlers-Danlos syndrome. Last evaluated: 2022-08-04. Review status: criteria provided, single submitter. Criteria: Invitae Variant Classification Sherloc (09022015). Collection method: clinical testing. Allele origin: germline.
Comment: In summary, the available evidence is currently insufficient to determine the role of this variant in disease. Therefore, it has been classified as a Variant of Uncertain Significance. Algorithms developed to predict the effect of missense changes on protein structure and function (SIFT, PolyPhen-2, Align-GVGD) all suggest that this variant is likely to be tolerated. ClinVar contains an entry for this variant (Variation ID: 1518351). This variant has not been reported in the literature in individuals affected with B4GALT7-related conditions. This variant is present in population databases (rs778439107, gnomAD 0.0009%). This sequence change replaces methionine, which is neutral and non-polar, with isoleucine, which is neutral and non-polar, at codon 313 of the B4GALT7 protein (p.Met313Ile).